The following is an entry in ClinVar:

NM_001384732.1(CPLANE1):c.8958+4A>G

Gene: CPLANE1 (ciliogenesis and planar polarity effector complex subunit 1; minus strand). Cytogenetic location: 5p13.2.
Variant type: single nucleotide variant.
Coding change: c.8958+4A>G on transcript NM_001384732.1 (MANE Select); 4 bases into the intron after coding-DNA position 8958, A replaced by G.
Molecular consequence: intron variant.
Genome position (GRCh38, 1-based): chr5:37,125,240, T>C on the plus strand (A>G on the coding strand, the complement: CPLANE1 is on the minus strand). VCF-style: chr5-37125240-T-C. GRCh37 (hg19) VCF-style: chr5-37125342-T-C.
Other names: c.8796+4A>G (NM_023073.4).
Identifiers: ClinVar variation 3076692 (VCV003076692.1), dbSNP rs199810663, ClinGen allele CA2578290371.

ClinVar aggregate classification (germline): Uncertain significance (1 of 4 stars; one submission).

Conditions:
Inborn genetic diseases. Identifiers: MedGen C0950123, MeSH D030342.

gnomAD v4.1: 8 of 1,610,122 alleles (0.0005%); highest among the groups gnomAD compares: South Asian, 0.0089%; no homozygotes.

Submission:

Ambry Genetics
Classification: Uncertain significance for Inborn genetic diseases. Last evaluated: 2022-03-17. Review status: criteria provided, single submitter. Criteria: Ambry Variant Classification Scheme 2023. Collection method: clinical testing. Allele origin: germline.
Comment: The c.8796+4A>G intronic alteration consists of a A to G substitution 4 nucleotides after exon 46 (coding exon 45) of the C5orf42 gene. Based on insufficient or conflicting evidence, the clinical significance of this alteration remains unclear.